The following is an entry in ClinVar:

ClinVar aggregate classification (germline): Conflicting classifications of pathogenicity. Review status: criteria provided, conflicting classifications (1 of 4 stars). 2 submissions from 2 submitters: Uncertain significance (1); Likely benign (1). Last evaluated 2023-11-12.

Conditions:
Intellectual disability. Also called: Intellectual functioning disability; intellectual disabilities; Intellectual developmental disorder. Identifiers: MedGen C3714756, MeSH D008607, MONDO:0001071, HP:0001249.

Submissions (2):

Labcorp Genetics (formerly Invitae), Labcorp
Classification: Uncertain significance. Last evaluated: 2023-11-12. Review status: criteria provided, single submitter. Criteria: Invitae Variant Classification Sherloc (09022015). Collection method: clinical testing. Allele origin: germline.
Comment: This variant, c.106_108dup, results in the insertion of 1 amino acid(s) of the HOXD13 protein (p.Ala36dup), but otherwise preserves the integrity of the reading frame. This variant is present in population databases (no rsID available, gnomAD 0.03%), and has an allele count higher than expected for a pathogenic variant. This variant has not been reported in the literature in individuals affected with HOXD13-related conditions. In summary, the available evidence is currently insufficient to determine the role of this variant in disease. Therefore, it has been classified as a Variant of Uncertain Significance.

Cambridge Genomics Laboratory, East Genomic Laboratory Hub, NHS Genomic Medicine Service
Classification: Likely benign for Intellectual disability. Last evaluated: 2020-02-11. Review status: criteria provided, single submitter. Criteria: ACGS Best Practice Guidelines for Variant Classification in Rare Disease 2020. Collection method: clinical testing. Allele origin: germline. Affected: yes. Observed: 1 variant allele.

NM_000523.4(HOXD13):c.94GCG[6] (p.Ala36_Ser37insAla)

Gene: HOXD13 (homeobox D13; plus strand). Cytogenetic location: 2q31.1.
Variant type: Microsatellite.
Coding change: c.94GCG[6] on transcript NM_000523.4 (MANE Select); six copies in a row of the 3-base unit GCG starting at c.94; the reference has five copies in a row; one copy, 3 bases duplicated.
Protein change: p.Ala36_Ser37insAla.
Molecular consequence: inframe insertion.
Genome position (GRCh38, 1-based): chr2:176,092,996-176,092,998, GCG duplicated; duplicating any 3 consecutive bases within chr2:176,092,983-176,092,998 gives the same sequence; the position shown is the placement nearest the transcript's 3' end. VCF-style (leftmost placement, unchanged base first): chr2-176092982-T-TGGC. GRCh37 (hg19) VCF-style: chr2-176957710-T-TGGC.
Identifiers: ClinVar variation 2900264 (VCV002900264.4), dbSNP rs767527649, ClinGen allele CA429991454.